The following is an entry in ClinVar:

NM_032043.3(BRIP1):c.380-17dup

Gene: BRIP1 (BRCA1 interacting DNA helicase 1; minus strand). Cytogenetic location: 17q23.2.
Variant type: Duplication.
Coding change: c.380-17dup on transcript NM_032043.3 (MANE Select); 17 bases into the intron before coding-DNA position 380, one base duplicated (T; older notation c.380-17dupT).
Molecular consequence: intron variant.
Genome position (GRCh38, 1-based): chr17:61,849,273, A duplicated on the plus strand (T on the coding strand, the reverse complement: BRIP1 is on the minus strand); the first of 8 consecutive A bases (chr17:61,849,273-61,849,280); duplicating any one gives the same sequence. VCF-style (leftmost placement, unchanged base first): chr17-61849272-T-TA. GRCh37 (hg19) VCF-style: chr17-59926633-T-TA.
Other names: c.380-17dupT (NM_032043.2, NM_032043.3); c.380-17dup (NM_032043.2).
Identifiers: ClinVar variation 182355 (VCV000182355.26), dbSNP rs545021924, ClinGen allele CA298897.

ClinVar aggregate classification (germline): Benign/Likely benign. Review status: criteria provided, multiple submitters, no conflicts (2 of 4 stars). 11 submissions from 10 submitters: Benign (5); Likely benign (4). 2 of the submissions do not count toward it. Last evaluated 2026-02-02.

Conditions:
Breast and/or ovarian cancer. Identifiers: MedGen CN221562.
Hereditary cancer-predisposing syndrome. Also called: Tumor predisposition; Hereditary Cancer Syndrome; Hereditary neoplastic syndrome; Neoplastic Syndromes, Hereditary. Identifiers: Orphanet 140162, MedGen C0027672, MeSH D009386, MONDO:0015356.
Fanconi anemia complementation group J. Also called: BRIP1-Related Fanconi Anemia. Identifiers: Orphanet 84, MedGen C1836860, MONDO:0012187, OMIM 609054.
Familial cancer of breast. Also called: hereditary breast carcinoma; Hereditary breast cancer; BREAST CANCER, FAMILIAL. Identifiers: Orphanet 227535, MedGen C0346153, MONDO:0016419, OMIM 114480. Disease mechanism: loss of function.
Ovarian cancer. Also called: OVARIAN CANCER, SOMATIC. Identifiers: Orphanet 213500, MedGen C1140680, MONDO:0008170, OMIM 167000.

Submissions (11):

Labcorp Genetics (formerly Invitae), Labcorp
Classification: Benign for Familial cancer of breast; Fanconi anemia complementation group J. Last evaluated: 2026-02-02. Review status: criteria provided, single submitter. Criteria: Invitae Variant Classification Sherloc (09022015). Collection method: clinical testing. Allele origin: germline.

ARUP Laboratories, Molecular Genetics and Genomics, ARUP Laboratories
Classification: Benign. Last evaluated: 2025-06-19. Review status: criteria provided, single submitter. Criteria: ARUP Molecular Germline Variant Investigation Process 2024. Collection method: clinical testing. Allele origin: germline.

Center for Genomic Medicine, Rigshospitalet, Copenhagen University Hospital
Classification: Likely benign. Last evaluated: 2025-03-04. Review status: criteria provided, single submitter. Criteria: ACMG Guidelines, 2015. Collection method: clinical testing. Allele origin: germline.

Blueprint Genetics
Classification: Likely benign. Last evaluated: 2024-10-24. Review status: criteria provided, single submitter. Criteria: ACMG Guidelines, 2015. Collection method: clinical testing. Allele origin: germline.

Myriad Genetics, Inc.
Classification: Benign for Familial cancer of breast. Last evaluated: 2023-02-28. Review status: criteria provided, single submitter. Criteria: Myriad Autosomal Dominant, Autosomal Recessive and X-Linked Classification Criteria (2023). Collection method: clinical testing. Allele origin: unknown.
Comment: This variant is considered benign. This variant is intronic and is not expected to impact mRNA splicing.

CHEO Genetics Diagnostic Laboratory, Children's Hospital of Eastern Ontario
Classification: Likely benign for Breast and/or ovarian cancer. Last evaluated: 2023-01-06. Review status: criteria provided, single submitter. Criteria: ACMG Guidelines, 2015. Collection method: clinical testing. Allele origin: germline.

PreventionGenetics, part of Exact Sciences
Classification: Benign. Last evaluated: 2017-02-17. Review status: criteria provided, single submitter. Criteria: ACMG Guidelines, 2015. Collection method: clinical testing. Allele origin: germline.

Color Diagnostics, LLC DBA Color Health
Classification: Likely benign for Hereditary cancer-predisposing syndrome. Last evaluated: 2015-04-07. Review status: criteria provided, single submitter. Criteria: ACMG Guidelines, 2015. Collection method: clinical testing. Allele origin: germline.

GeneDx
Classification: Benign for Neoplastic Syndromes, Hereditary. Last evaluated: 2014-01-21. Review status: criteria provided, single submitter. Criteria: GeneDx Variant Classification (06012015). Collection method: clinical testing. Allele origin: germline. Affected: yes.
Comment: The variant is found in BR-OV-HEREDIC,HEREDICANCER panel(s).

Counsyl
Classification: Likely benign for Fanconi anemia complementation group J. Last evaluated: 2016-06-27. Review status: no assertion criteria provided. Collection method: clinical testing. Allele origin: unknown. Not counted in ClinVar's aggregate classification.

Counsyl
Classification: Likely benign for Ovarian cancer. Last evaluated: 2016-06-27. Review status: no assertion criteria provided. Collection method: clinical testing. Allele origin: unknown. Not counted in ClinVar's aggregate classification.